The following is an entry in ClinVar:

NM_182914.3(SYNE2):c.13707+10T>C

Gene: SYNE2 (spectrin repeat containing nuclear envelope protein 2; plus strand). Cytogenetic location: 14q23.2.
Variant type: single nucleotide variant.
Coding change: c.13707+10T>C on transcript NM_182914.3 (MANE Select); 10 bases into the intron after coding-DNA position 13707, T replaced by C.
Molecular consequence: intron variant.
Genome position (GRCh38, 1-based): chr14:64,126,489, T>C. VCF-style: chr14-64126489-T-C. GRCh37 (hg19) VCF-style: chr14-64593207-T-C.
Other names: c.13707+10T>C (NM_015180.6).
Identifiers: ClinVar variation 313591 (VCV000313591.22), dbSNP rs61987277, ClinGen allele CA7222534.

ClinVar aggregate classification (germline): Benign/Likely benign. Review status: criteria provided, multiple submitters, no conflicts (2 of 4 stars). 8 submissions from 8 submitters: Benign (5); Likely benign (2). 1 of the submissions does not count toward it. Last evaluated 2026-02-02.

Conditions:
Emery-Dreifuss muscular dystrophy 5, autosomal dominant (EDMD5). Also called: EMERY-DREIFUSS MUSCULAR DYSTROPHY 5. Identifiers: Orphanet 261, MedGen C2751805, MONDO:0013072, OMIM 612999.
SYNE2-related disorder. Also called: SYNE2-related condition.

Allele frequency attached by ClinVar (database versions not stated): 1000 Genomes Project 0.02296; ESP Exome Variant Server 0.02214; TOPMed 0.02222; 1000 Genomes Project 30x 0.02249.
gnomAD v4.1: 27,655 of 1,614,110 alleles (1.7%); highest among the groups gnomAD compares: African/African-American, 3.8%; 276 homozygotes.

Submissions (8):

Labcorp Genetics (formerly Invitae), Labcorp
Classification: Benign for Emery-Dreifuss muscular dystrophy 5, autosomal dominant. Last evaluated: 2026-02-02. Review status: criteria provided, single submitter. Criteria: Invitae Variant Classification Sherloc (09022015). Collection method: clinical testing. Allele origin: germline.

PreventionGenetics, part of Exact Sciences
Classification: Benign for SYNE2-related condition. Last evaluated: 2025-01-02. Review status: criteria provided, single submitter. Criteria: ACMG Guidelines, 2015. Collection method: clinical testing. Allele origin: germline.
Comment: This variant is classified as benign based on ACMG/AMP sequence variant interpretation guidelines (Richards et al. 2015 PMID: 25741868, with internal and published modifications).

Athena Diagnostics
Classification: Benign. Last evaluated: 2024-01-10. Review status: criteria provided, single submitter. Criteria: Athena Diagnostics Criteria. Collection method: clinical testing. Allele origin: unknown.

GeneDx
Classification: Likely benign. Last evaluated: 2018-07-10. Review status: criteria provided, single submitter. Criteria: GeneDx Variant Classification Process June 2021. Collection method: clinical testing. Allele origin: germline. Affected: yes.

Illumina Laboratory Services, Illumina
Classification: Benign for Emery-Dreifuss muscular dystrophy 5, autosomal dominant. Last evaluated: 2018-01-13. Review status: criteria provided, single submitter. Criteria: ICSL Variant Classification Criteria 13 December 2019. Collection method: clinical testing. Allele origin: germline.
Comment: This variant was observed in the ICSL laboratory as part of a predisposition screen in an ostensibly healthy population. It had not been previously curated by ICSL or reported in the Human Gene Mutation Database (HGMD: prior to June 1st, 2018), and was therefore a candidate for classification through an automated scoring system. Utilizing variant allele frequency, disease prevalence and penetrance estimates, and inheritance mode, an automated score was calculated to assess if this variant is too frequent to cause the disease. Based on the score and internal cut-off values, a variant classified as benign is not then subjected to further curation. The score for this variant resulted in a classification of benign for this disease.

Genome Diagnostics Laboratory, University Medical Center Utrecht
Classification: Benign for Emery-Dreifuss muscular dystrophy 5, autosomal dominant. Last evaluated: 2014-10-09. Review status: criteria provided, single submitter. Criteria: ACGS Guidelines, 2013. Collection method: clinical testing. Allele origin: germline. Affected: yes. Study: VKGL Data-share Consensus.

Breakthrough Genomics
Classification: Likely benign. Review status: criteria provided, single submitter. Criteria: ACMG Guidelines, 2015. Collection method: not provided. Allele origin: germline. Inheritance: Autosomal dominant inheritance. Affected: yes.

Clinical Genetics, Academic Medical Center
Classification: Benign. Review status: no assertion criteria provided. Collection method: clinical testing. Allele origin: germline. Affected: yes. Study: VKGL Data-share Consensus. Not counted in ClinVar's aggregate classification.

Literature cited by the submitters: PubMed 23155419 (cited by Athena Diagnostics).